The following is an entry in ClinVar:

NM_001737.5(C9):c.291dup (p.Glu98Ter)

Gene: C9 (complement C9; minus strand). Cytogenetic location: 5p13.1.
Variant type: Duplication.
Coding change: c.291dup on transcript NM_001737.5 (MANE Select); coding-DNA position 291, one base duplicated (T; older notation c.291dupT).
Protein change: p.Glu98Ter; replaces glutamic acid 98 with a stop codon.
Molecular consequence: nonsense.
Genome position (GRCh38, 1-based): chr5:39,341,593, A duplicated on the plus strand (T on the coding strand, the reverse complement: C9 is on the minus strand). VCF-style (leftmost placement, unchanged base first): chr5-39341592-C-CA. GRCh37 (hg19) VCF-style: chr5-39341694-C-CA.
Other names: short protein forms E98*.
Identifiers: ClinVar variation 3721558 (VCV003721558.2).

ClinVar aggregate classification (germline): Pathogenic (1 of 4 stars; one submission).

Submission:

Labcorp Genetics (formerly Invitae), Labcorp
Classification: Pathogenic. Last evaluated: 2025-05-12. Review status: criteria provided, single submitter. Criteria: Invitae Variant Classification Sherloc (09022015). Collection method: clinical testing. Allele origin: germline.
Comment: This sequence change creates a premature translational stop signal (p.Glu98*) in the C9 gene. It is expected to result in an absent or disrupted protein product. Loss-of-function variants in C9 are known to be pathogenic (PMID: 9144525, 9570574). This variant is not present in population databases (gnomAD no frequency). This variant has not been reported in the literature in individuals affected with C9-related conditions. ClinVar contains an entry for this variant (Variation ID: 3721558). For these reasons, this variant has been classified as Pathogenic.

Literature cited by the submitters: PubMed 9144525; PubMed 9570574.